The following is an entry in ClinVar:

ClinVar aggregate classification (germline): Uncertain significance (1 of 4 stars; one submission).

Conditions:
Perlman syndrome (PRLMNS). Identifiers: Orphanet 2849, MedGen C0796113, MONDO:0009965, OMIM 267000.

Allele frequency attached by ClinVar (database versions not stated): TOPMed below 0.00001; gnomAD 0.00001; gnomAD exomes 0.00001 and 0.00002; ExAC 0.00003.
gnomAD v4.1: 29 of 1,608,182 alleles (0.0018%); highest among the groups gnomAD compares: Non-Finnish European, 0.0024%; no homozygotes.

Submission:

Labcorp Genetics (formerly Invitae), Labcorp
Classification: Uncertain significance for Perlman syndrome. Last evaluated: 2022-06-24. Review status: criteria provided, single submitter. Criteria: Invitae Variant Classification Sherloc (09022015). Collection method: clinical testing. Allele origin: germline.
Comment: This sequence change replaces proline, which is neutral and non-polar, with leucine, which is neutral and non-polar, at codon 767 of the DIS3L2 protein (p.Pro767Leu). This variant is present in population databases (rs762087314, gnomAD 0.002%). In summary, the available evidence is currently insufficient to determine the role of this variant in disease. Therefore, it has been classified as a Variant of Uncertain Significance. Algorithms developed to predict the effect of missense changes on protein structure and function are either unavailable or do not agree on the potential impact of this missense change (SIFT: "Deleterious"; PolyPhen-2: "Probably Damaging"; Align-GVGD: "Class C15"). ClinVar contains an entry for this variant (Variation ID: 944132). This variant has not been reported in the literature in individuals affected with DIS3L2-related conditions.

NM_152383.5(DIS3L2):c.2300C>T (p.Pro767Leu)

Gene: DIS3L2 (DIS3 like 3'-5' exoribonuclease 2; plus strand). Cytogenetic location: 2q37.1.
Variant type: single nucleotide variant.
Coding change: c.2300C>T on transcript NM_152383.5 (MANE Select); coding-DNA position 2300, C replaced by T.
Protein change: p.Pro767Leu; replaces proline 767 with leucine.
Molecular consequence: missense variant. On other transcripts: non-coding transcript variant (2), intron variant (1).
Genome position (GRCh38, 1-based): chr2:232,334,641, C>T. VCF-style: chr2-232334641-C-T. GRCh37 (hg19) VCF-style: chr2-233199351-C-T.
Other names: c.1582-8704C>T (NM_001257281.2); short protein forms P767L.
Identifiers: ClinVar variation 944132 (VCV000944132.9), dbSNP rs762087314, ClinGen allele CA2164499.